The following is an entry in ClinVar:

NM_001378030.1(CCDC78):c.1133+5G>C

Gene: CCDC78 (coiled-coil domain containing 78; minus strand). Cytogenetic location: 16p13.3.
Variant type: single nucleotide variant.
Coding change: c.1133+5G>C on transcript NM_001378030.1 (MANE Select); 5 bases into the intron after coding-DNA position 1133, G replaced by C.
Molecular consequence: intron variant.
Genome position (GRCh38, 1-based): chr16:723,852, C>G on the plus strand (G>C on the coding strand, the complement: CCDC78 is on the minus strand). VCF-style: chr16-723852-C-G. GRCh37 (hg19) VCF-style: chr16-773852-C-G.
Other names: c.566+5G>C (NM_001378033.1); c.953+470G>C (NM_001378031.1); c.1133+5G>C (NM_001031737.3).
Identifiers: ClinVar variation 1354580 (VCV001354580.6), dbSNP rs751889492, ClinGen allele CA620309758.

ClinVar aggregate classification (germline): Uncertain significance (1 of 4 stars; one submission).

Conditions:
Congenital myopathy with internal nuclei and atypical cores. Also called: Myopathy, centronuclear, 4. Identifiers: Orphanet 319160, MedGen C4707232, MONDO:0013890, OMIM 614807.

Submission:

Labcorp Genetics (formerly Invitae), Labcorp
Classification: Uncertain significance for Congenital myopathy with internal nuclei and atypical cores. Last evaluated: 2025-02-07. Review status: criteria provided, single submitter. Criteria: Invitae Variant Classification Sherloc (09022015). Collection method: clinical testing. Allele origin: germline.
Comment: This sequence change falls in intron 11 of the CCDC78 gene. It does not directly change the encoded amino acid sequence of the CCDC78 protein. It affects a nucleotide within the consensus splice site. This variant is present in population databases (no rsID available, gnomAD 0.007%). This variant has not been reported in the literature in individuals affected with CCDC78-related conditions. ClinVar contains an entry for this variant (Variation ID: 1354580). Variants that disrupt the consensus splice site are a relatively common cause of aberrant splicing (PMID: 17576681, 9536098). Algorithms developed to predict the effect of sequence changes on RNA splicing suggest that this variant may disrupt the consensus splice site. In summary, the available evidence is currently insufficient to determine the role of this variant in disease. Therefore, it has been classified as a Variant of Uncertain Significance.

Literature cited by the submitters: PubMed 17576681; PubMed 9536098.